The following is an entry in ClinVar:

NM_004431.5(EPHA2):c.2174C>G (p.Ala725Gly)

Gene: EPHA2 (EPH receptor A2; minus strand). Cytogenetic location: 1p36.13.
Variant type: single nucleotide variant.
Coding change: c.2174C>G on transcript NM_004431.5 (MANE Select); coding-DNA position 2174, C replaced by G.
Protein change: p.Ala725Gly; replaces alanine 725 with glycine.
Molecular consequence: missense variant.
Genome position (GRCh38, 1-based): chr1:16,132,215, G>C on the plus strand (C>G on the coding strand, the complement: EPHA2 is on the minus strand). VCF-style: chr1-16132215-G-C. GRCh37 (hg19) VCF-style: chr1-16458710-G-C.
Other names: c.2012C>G, p.Ala671Gly (NM_001329090.2); short protein forms A671G, A725G.
Identifiers: ClinVar variation 1037565 (VCV001037565.5), dbSNP rs2024583180, ClinGen allele CA338622547.

ClinVar aggregate classification (germline): Uncertain significance (1 of 4 stars; one submission).

Conditions:
Cataract 6 multiple types. Also called: CATARACT 6, POSTERIOR POLAR; CATARACT 6, CONGENITAL TOTAL; CATARACT, AGE-RELATED CORTICAL, 2. Identifiers: Orphanet 91492, MedGen C1861825, MONDO:0007288, OMIM 116600.

Allele frequency attached by ClinVar (database versions not stated): TOPMed below 0.00001; gnomAD 0.00001.
gnomAD v4.1: 1 of 1,614,080 alleles (0.000062%); highest among the groups gnomAD compares: Non-Finnish European, 0.000085%; no homozygotes.

Submission:

Labcorp Genetics (formerly Invitae), Labcorp
Classification: Uncertain significance for Cataract 6 multiple types. Last evaluated: 2020-04-28. Review status: criteria provided, single submitter. Criteria: Invitae Variant Classification Sherloc (09022015). Collection method: clinical testing. Allele origin: germline.
Comment: In summary, the available evidence is currently insufficient to determine the role of this variant in disease. Therefore, it has been classified as a Variant of Uncertain Significance. Algorithms developed to predict the effect of sequence changes on RNA splicing suggest that this variant may create or strengthen a splice site, but this prediction has not been confirmed by published transcriptional studies. Algorithms developed to predict the effect of missense changes on protein structure and function are either unavailable or do not agree on the potential impact of this missense change (SIFT: "Tolerated"; PolyPhen-2: "Possibly Damaging"; Align-GVGD: "Class C0"). This variant has not been reported in the literature in individuals with EPHA2-related conditions. This variant is not present in population databases (ExAC no frequency). This sequence change replaces alanine with glycine at codon 725 of the EPHA2 protein (p.Ala725Gly). The alanine residue is moderately conserved and there is a small physicochemical difference between alanine and glycine.